The following is an entry in ClinVar:

ClinVar aggregate classification (germline): Pathogenic. Review status: criteria provided, multiple submitters, no conflicts (2 of 4 stars). 3 submissions from 3 submitters: Pathogenic (2). 1 of the submissions does not count toward it. Last evaluated 2025-01-13.

Conditions:
Episodic ataxia type 2 (EA2). Also called: CEREBELLAR ATAXIA, PAROXYSMAL, ACETAZOLAMIDE-RESPONSIVE; CEREBELLOPATHY, HEREDITARY PAROXYSMAL; EPISODIC ATAXIA, NYSTAGMUS-ASSOCIATED; ACETAZOLAMIDE-RESPONSIVE HEREDITARY PAROXYSMAL CEREBELLAR ATAXIA; ATAXIA, EPISODIC, WITH NYSTAGMUS; ATAXIA, FAMILIAL PAROXYSMAL. Identifiers: Orphanet 97, MedGen C1720416, MONDO:0007163, OMIM 108500.
Developmental and epileptic encephalopathy, 42 (DEE42A). Also called: DEVELOPMENTAL AND EPILEPTIC ENCEPHALOPATHY 42A; EPILEPTIC ENCEPHALOPATHY, EARLY INFANTILE, 42A; Epileptic encephalopathy, early infantile, 42. Identifiers: MedGen C4310716, MONDO:0014917, OMIM 617106.
Episodic ataxia, type 2, and epilepsy. Identifiers: MedGen C4016713.

Submissions (3):

Labcorp Genetics (formerly Invitae), Labcorp
Classification: Pathogenic for Developmental and epileptic encephalopathy, 42; Episodic ataxia type 2. Last evaluated: 2025-01-13. Review status: criteria provided, single submitter. Criteria: Invitae Variant Classification Sherloc (09022015). Collection method: clinical testing. Allele origin: germline.
Comment: This sequence change creates a premature translational stop signal (p.Arg1819*) in the CACNA1A gene. It is expected to result in an absent or disrupted protein product. Loss-of-function variants in CACNA1A are known to be pathogenic (PMID: 10371528, 19486177, 25735478, 27250579). This variant is not present in population databases (gnomAD no frequency). This premature translational stop signal has been observed in individual(s) with clinical features of episodic ataxia (PMID: 11564488, 26912519). In at least one individual the variant was observed to be de novo. This variant is also known as C5733T, R1820stop. ClinVar contains an entry for this variant (Variation ID: 8509). For these reasons, this variant has been classified as Pathogenic.

GeneDx
Classification: Pathogenic. Last evaluated: 2022-10-26. Review status: criteria provided, single submitter. Criteria: GeneDx Variant Classification Process June 2021. Collection method: clinical testing. Allele origin: germline. Affected: yes.
Comment: Nonsense variant predicted to result in protein truncation or nonsense mediated decay in a gene for which loss-of-function is a known mechanism of disease; Published functional studies demonstrate a damaging effect showing that this variant impaired protein function (Jouvenceau et al., 2001); Not observed at significant frequency in large population cohorts (gnomAD); This variant is associated with the following publications: (PMID: 11564488, 11809294, 15136697, 26912519, 33144682, 25525159)

OMIM
Classification: Pathogenic for EPISODIC ATAXIA, TYPE 2, AND EPILEPSY. Last evaluated: 2002-01-12. Review status: no assertion criteria provided. Collection method: literature only. Allele origin: germline. Not counted in ClinVar's aggregate classification.

Literature cited by the submitters: PubMed 10371528 (cited by Labcorp Genetics (formerly Invitae), Labcorp); PubMed 19486177 (cited by Labcorp Genetics (formerly Invitae), Labcorp); PubMed 25735478 (cited by Labcorp Genetics (formerly Invitae), Labcorp); PubMed 27250579 (cited by Labcorp Genetics (formerly Invitae), Labcorp); PubMed 11564488 (cited by Labcorp Genetics (formerly Invitae), Labcorp and OMIM); PubMed 26912519 (cited by Labcorp Genetics (formerly Invitae), Labcorp); PubMed 11809294 (cited by OMIM).

NM_001127222.2(CACNA1A):c.5452C>T (p.Arg1818Ter)

Gene: CACNA1A (calcium voltage-gated channel subunit alpha1 A; minus strand). Cytogenetic location: 19p13.13.
Variant type: single nucleotide variant.
Coding change: c.5452C>T on transcript NM_001127222.2 (MANE Select); coding-DNA position 5452, C replaced by T.
Protein change: p.Arg1818Ter; replaces arginine 1818 with a stop codon.
Molecular consequence: nonsense.
Genome position (GRCh38, 1-based): chr19:13,230,158, G>A on the plus strand (C>T on the coding strand, the complement: CACNA1A is on the minus strand). VCF-style: chr19-13230158-G-A. GRCh37 (hg19) VCF-style: chr19-13340972-G-A.
Other names: R1820*; c.5470C>T, p.Arg1824Ter (NM_000068.4, NM_023035.3); c.5455C>T, p.Arg1819Ter (NM_001127221.2); c.5461C>T, p.Arg1821Ter (NM_001174080.2); short protein forms R1818*, R1819*, R1821*, R1824*.
Identifiers: ClinVar variation 8509 (VCV000008509.7), dbSNP rs267606696, ClinGen allele CA119656.